The following is an entry in ClinVar:

NM_001382391.1(CSPP1):c.-68G>C

Gene: CSPP1 (centrosome and spindle pole associated protein 1; plus strand). Cytogenetic location: 8q13.1.
Variant type: single nucleotide variant.
Coding change: c.-68G>C on transcript NM_001382391.1 (MANE Select); 68 bases upstream of the start codon, G replaced by C.
Molecular consequence: 5 prime UTR variant. On other transcripts: missense variant (3).
Genome position (GRCh38, 1-based): chr8:67,064,481, G>C. VCF-style: chr8-67064481-G-C. GRCh37 (hg19) VCF-style: chr8-67976716-G-C.
Other names: c.-68G>C (NM_001363131.2, NM_001363132.2, NM_001363133.2); c.83G>C, p.Arg28Pro (NM_001364869.1, NM_001364870.1, NM_024790.7); short protein forms R28P.
Identifiers: ClinVar variation 1951112 (VCV001951112.5), dbSNP rs2129538437, ClinGen allele CA371208735.

ClinVar aggregate classification (germline): Uncertain significance (1 of 4 stars; one submission).

Conditions:
Joubert syndrome 21 (JBTS21). Identifiers: MedGen C3810212, MONDO:0014288, OMIM 615636.

Submission:

Labcorp Genetics (formerly Invitae), Labcorp
Classification: Uncertain significance for Joubert syndrome 21. Last evaluated: 2022-11-01. Review status: criteria provided, single submitter. Criteria: Invitae Variant Classification Sherloc (09022015). Collection method: clinical testing. Allele origin: germline.
Comment: In summary, the available evidence is currently insufficient to determine the role of this variant in disease. Therefore, it has been classified as a Variant of Uncertain Significance. Algorithms developed to predict the effect of missense changes on protein structure and function output the following: SIFT: "Deleterious"; PolyPhen-2: "Benign"; Align-GVGD: "Class C0". The proline amino acid residue is found in multiple mammalian species, which suggests that this missense change does not adversely affect protein function. This variant has not been reported in the literature in individuals affected with CSPP1-related conditions. This variant is not present in population databases (gnomAD no frequency). This sequence change replaces arginine, which is basic and polar, with proline, which is neutral and non-polar, at codon 28 of the CSPP1 protein (p.Arg28Pro).